The following is an entry in ClinVar:

NM_001142800.2(EYS):c.3078_3079delinsCG (p.Thr1027Ala)

Gene: EYS (eyes shut homolog; minus strand). Cytogenetic location: 6q12.
Variant type: Indel.
Coding change: c.3078_3079delinsCG on transcript NM_001142800.2 (MANE Select); coding-DNA positions 3078 to 3079, TA replaced by CG.
Protein change: p.Thr1027Ala; replaces threonine 1027 with alanine.
Molecular consequence: missense variant.
Genome position (GRCh38, 1-based): chr6:64,822,736-64,822,737, TA replaced by CG on the plus strand (TA replaced by CG on the coding strand, the reverse complement: EYS is on the minus strand). VCF-style: chr6-64822736-TA-CG. GRCh37 (hg19) VCF-style: chr6-65532629-TA-CG.
Other names: c.3078_3079delinsCG, p.Thr1027Ala (NM_001292009.2); short protein forms T1027A.
Identifiers: ClinVar variation 2198204 (VCV002198204.1), dbSNP rs2533169220, ClinGen allele CA2580075670.

ClinVar aggregate classification (germline): Uncertain significance (1 of 4 stars; one submission).

Submission:

Labcorp Genetics (formerly Invitae), Labcorp
Classification: Uncertain significance. Last evaluated: 2022-09-06. Review status: criteria provided, single submitter. Criteria: Invitae Variant Classification Sherloc (09022015). Collection method: clinical testing. Allele origin: germline.
Comment: This sequence change replaces threonine, which is neutral and polar, with alanine, which is neutral and non-polar, at codon 1027 of the EYS protein (p.Thr1027Ala). Information on the frequency of this variant in the gnomAD database is not available, as this variant may be reported differently in the database. This variant has not been reported in the literature in individuals affected with EYS-related conditions. Algorithms developed to predict the effect of missense changes on protein structure and function output the following: SIFT: "Not Available"; PolyPhen-2: "Not Available"; Align-GVGD: "Not Available". The alanine amino acid residue is found in multiple mammalian species, which suggests that this missense change does not adversely affect protein function. In summary, the available evidence is currently insufficient to determine the role of this variant in disease. Therefore, it has been classified as a Variant of Uncertain Significance.